The following is an entry in ClinVar:

ClinVar aggregate classification (germline): Uncertain significance (1 of 4 stars; one submission).

Submission:

Labcorp Genetics (formerly Invitae), Labcorp
Classification: Uncertain significance. Last evaluated: 2022-05-12. Review status: criteria provided, single submitter. Criteria: Invitae Variant Classification Sherloc (09022015). Collection method: clinical testing. Allele origin: germline.
Comment: This variant, c.1024_1026del, results in the deletion of 1 amino acid(s) of the KIZ protein (p.Pro342del), but otherwise preserves the integrity of the reading frame. This variant is present in population databases (no rsID available, gnomAD 0.003%). This variant has not been reported in the literature in individuals affected with KIZ-related conditions. Experimental studies and prediction algorithms are not available or were not evaluated, and the functional significance of this variant is currently unknown. In summary, the available evidence is currently insufficient to determine the role of this variant in disease. Therefore, it has been classified as a Variant of Uncertain Significance.

NM_018474.6(KIZ):c.1024_1026del (p.Pro342del)

Gene: KIZ (kizuna centrosomal protein; plus strand). Cytogenetic location: 20p11.23.
Variant type: Deletion.
Coding change: c.1024_1026del on transcript NM_018474.6 (MANE Select); coding-DNA positions 1024 to 1026, 3 bases deleted (CCT; older notation c.1024_1026delCCT).
Protein change: p.Pro342del; deletes proline 342.
Molecular consequence: inframe deletion.
Genome position (GRCh38, 1-based): chr20:21,162,489-21,162,491, CCT deleted; deleting any 3 consecutive bases within chr20:21,162,487-21,162,491 gives the same sequence; the c. name uses the placement nearest the transcript's 3' end. VCF-style (leftmost placement, unchanged base first): chr20-21162486-TCTC-T. GRCh37 (hg19) VCF-style: chr20-21143127-TCTC-T.
Other names: c.715_717del, p.Pro239del (NM_001163022.3, NM_001352435.2); c.625_627del, p.Pro209del (NM_001163023.3); c.877_879del, p.Pro293del (NM_001276389.2); c.1024_1026del, p.Pro342del (NM_001352434.2); c.682_684del, p.Pro228del (NM_001352436.2); short protein forms P342del, P209del, P239del, P293del, P228del.
Identifiers: ClinVar variation 1906758 (VCV001906758.5), dbSNP rs1236466845, ClinGen allele CA635269230.
Genomic context (GRCh38, chr20:21,162,486, plus strand): 5'-TCTCCGATACCAGTTTCAGAATACTGTGAATCTGAAAATAAGTGGTCTCAAGAGAAGCAT[TCTC>T]CTTGGGAAGGTGTTTCAGGTGGGATGAGAGGCTGAGTTTGGTTGCTGATTTTTCTGGGTG-3'